The following is an entry in ClinVar:

NM_014049.4(ACAD9):c.151-2A>G

Gene: ACAD9 (acyl-CoA dehydrogenase family member 9; plus strand). Cytogenetic location: 3q21.3.
Variant type: single nucleotide variant.
Coding change: c.151-2A>G on transcript NM_014049.4; the canonical splice acceptor site of the intron before coding-DNA position 151, A replaced by G.
Molecular consequence: splice acceptor variant (on NM_014049.5). On other transcripts: intron variant (1).
Genome position (GRCh38, 1-based): chr3:128,884,651, A>G. VCF-style: chr3-128884651-A-G. GRCh37 (hg19) VCF-style: chr3-128603494-A-G.
Other names: c.151-2A>G (NM_014049.5); c.-126+4810A>G (NM_001410805.1).
Identifiers: ClinVar variation 242467 (VCV000242467.4), dbSNP rs863225058, ClinGen allele CA353816.

ClinVar aggregate classification (germline): Likely pathogenic (1 of 4 stars; one submission).

Submission:

Labcorp Genetics (formerly Invitae), Labcorp
Classification: Likely pathogenic. Last evaluated: 2023-12-30. Review status: criteria provided, single submitter. Criteria: Invitae Variant Classification Sherloc (09022015). Collection method: clinical testing. Allele origin: germline.
Comment: This sequence change affects an acceptor splice site in intron 1 of the ACAD9 gene. It is expected to disrupt RNA splicing. Variants that disrupt the donor or acceptor splice site typically lead to a loss of protein function (PMID: 16199547), and loss-of-function variants in ACAD9 are known to be pathogenic (PMID: 25721401). This variant is not present in population databases (gnomAD no frequency). Disruption of this splice site has been observed in individual(s) with complex 1 deficiency (PMID: 25721401). ClinVar contains an entry for this variant (Variation ID: 242467). Algorithms developed to predict the effect of sequence changes on RNA splicing suggest that this variant may disrupt the consensus splice site. In summary, the currently available evidence indicates that the variant is pathogenic, but additional data are needed to prove that conclusively. Therefore, this variant has been classified as Likely Pathogenic.

Literature cited by the submitters: PubMed 16199547; PubMed 25721401.